The following is an entry in ClinVar:

NM_020987.5(ANK3):c.1617C>T (p.Ser539=)

Gene: ANK3 (ankyrin 3; minus strand). Cytogenetic location: 10q21.2.
Variant type: single nucleotide variant.
Coding change: c.1617C>T on transcript NM_020987.5 (MANE Select); coding-DNA position 1617, C replaced by T.
Protein change: p.Ser539=; no amino-acid change (serine 539 retained).
Molecular consequence: synonymous variant.
Genome position (GRCh38, 1-based): chr10:60,198,412, G>A on the plus strand (C>T on the coding strand, the complement: ANK3 is on the minus strand). VCF-style: chr10-60198412-G-A. GRCh37 (hg19) VCF-style: chr10-61958170-G-A.
Other names: c.1599C>T, p.Ser533= (NM_001204403.2); c.1566C>T, p.Ser522= (NM_001204404.2); c.1617C>T, p.Ser539= (NM_001320874.2).
Identifiers: ClinVar variation 712491 (VCV000712491.10), dbSNP rs117152648, ClinGen allele CA5513096.
Genomic context (GRCh38, chr10:60,198,412, plus strand): 5'-AGATAAAGACGCTCCATGATCCAAAAGGAACGCGGCCACATCCTCATGCCCCTCTCGGGC[G>A]GAAAGGTGAAGTGGGGTGTACCCAGAAGTTGTGGCTGCATTTGGAGATGCCCCTTGCTGC-3'
Protein context (NP_066267.2, residues 529-549): TTSGYTPLHL[Ser539=]AREGHEDVAA

ClinVar aggregate classification (germline): Likely benign. Review status: criteria provided, multiple submitters, no conflicts (2 of 4 stars). 2 submissions from 2 submitters: Likely benign (2). Last evaluated 2026-06-01.

Allele frequency attached by ClinVar (database versions not stated): gnomAD exomes 0.00004 and 0.00011; ExAC 0.00015; gnomAD 0.00037 and 0.00042; 1000 Genomes Project 0.00040; TOPMed 0.00040; 1000 Genomes Project 30x 0.00047; ESP Exome Variant Server 0.00054.
gnomAD v4.1: 116 of 1,614,194 alleles (0.0072%); highest among the groups gnomAD compares: African/African-American, 0.11%; no homozygotes.

Submissions (2):

CeGaT Center for Human Genetics Tuebingen
Classification: Likely benign. Last evaluated: 2026-06-01. Review status: criteria provided, single submitter. Criteria: CeGaT Center For Human Genetics Tuebingen Variant Classification Criteria Version 2. Collection method: clinical testing. Allele origin: germline. Affected: yes. Observed: 1 variant allele.
Comment: ANK3: BP4, BP7

Labcorp Genetics (formerly Invitae), Labcorp
Classification: Likely benign. Last evaluated: 2025-09-10. Review status: criteria provided, single submitter. Criteria: Invitae Variant Classification Sherloc (09022015). Collection method: clinical testing. Allele origin: germline.